The following is an entry in ClinVar:

NM_000057.4(BLM):c.3681dup (p.Ser1228fs)

Gene: BLM (BLM RecQ like helicase; plus strand). Cytogenetic location: 15q26.1.
Variant type: Duplication.
Coding change: c.3681dup on transcript NM_000057.4 (MANE Select); coding-DNA position 3681, one base duplicated (A; older notation c.3681dupA).
Protein change: p.Ser1228fs; shifts the reading frame from serine 1228.
Molecular consequence: frameshift variant. On other transcripts: intron variant (1).
Genome position (GRCh38, 1-based): chr15:90,804,289, A duplicated; the last of 3 consecutive A bases (chr15:90,804,287-90,804,289); duplicating any one gives the same sequence. VCF-style (leftmost placement, unchanged base first): chr15-90804286-C-CA. GRCh37 (hg19) VCF-style: chr15-91347516-C-CA.
Other names: c.3681dup, p.Ser1228fs (NM_001287246.2); c.2556dup, p.Ser853fs (NM_001287248.2); c.3359-4848dup (NM_001287247.2); short protein forms S1228fs, S853fs.
Identifiers: ClinVar variation 1444751 (VCV001444751.6), dbSNP rs367543020, ClinGen allele CA2573151479.
Genomic context (GRCh38, chr15:90,804,286, plus strand): 5'-AAAAGTGTCTCAGAGGGAAGAGATGGTTAAAAAATGTCTTGGAGAACTTACAGAAGTCTG[C>CA]AAATCTCTGGGGAAAGTTTTTGGTGTCCATTACTTCAATATTTTTAATACCGTCACTCTC-3'

ClinVar aggregate classification (germline): Pathogenic (1 of 4 stars; one submission).

Conditions:
Bloom syndrome (BLM). Also called: Bloom-Torre-Machacek syndrome. Identifiers: Orphanet 125, MedGen C0005859, MONDO:0008876, OMIM 210900.

Submission:

Labcorp Genetics (formerly Invitae), Labcorp
Classification: Pathogenic for Bloom syndrome. Last evaluated: 2021-02-25. Review status: criteria provided, single submitter. Criteria: Invitae Variant Classification Sherloc (09022015). Collection method: clinical testing. Allele origin: germline.
Comment: This variant is not present in population databases (ExAC no frequency). For these reasons, this variant has been classified as Pathogenic. This variant has not been reported in the literature in individuals with BLM-related conditions. This sequence change creates a premature translational stop signal (p.Ser1228Ilefs*15) in the BLM gene. It is expected to result in an absent or disrupted protein product. Loss-of-function variants in BLM are known to be pathogenic (PMID: 17407155).

Literature cited by the submitters: PubMed 17407155.